The following is an entry in ClinVar:

ClinVar aggregate classification (germline): Uncertain significance. Review status: criteria provided, multiple submitters, no conflicts (2 of 4 stars). 2 submissions from 2 submitters: Uncertain significance (2). Last evaluated 2025-09-22.

Conditions:
Congenital stationary night blindness 2A (CSNB2A). Also called: NIGHT BLINDNESS, CONGENITAL STATIONARY, TYPE 2; Night blindness, congenital stationary (incomplete), 2A, X-linked; CSNB, INCOMPLETE, X-LINKED; CACNA1F-Related X-Linked Congenital Stationary Night Blindness. Identifiers: Orphanet 215, MedGen C1848172, MONDO:0010241, OMIM 300071.

Allele frequency attached by ClinVar (database versions not stated): gnomAD exomes 0.00007; TOPMed 0.00009.
gnomAD v4.1: 34 of 1,200,830 alleles (0.0028%); highest among the groups gnomAD compares: Admixed American, 0.031%; no homozygotes.

Submissions (2):

Labcorp Genetics (formerly Invitae), Labcorp
Classification: Uncertain significance. Last evaluated: 2025-09-22. Review status: criteria provided, single submitter. Criteria: Invitae Variant Classification Sherloc (09022015). Collection method: clinical testing. Allele origin: germline.
Comment: This sequence change replaces alanine, which is neutral and non-polar, with threonine, which is neutral and polar, at codon 657 of the CACNA1F protein (p.Ala657Thr). This variant is present in population databases (no rsID available, gnomAD 0.04%), and has an allele count higher than expected for a pathogenic variant. This missense change has been observed in individual(s) with clinical features of congenital stationary night blindness (PMID: 38243264). ClinVar contains an entry for this variant (Variation ID: 930750). Invitae Evidence Modeling of protein sequence and biophysical properties (such as structural, functional, and spatial information, amino acid conservation, physicochemical variation, residue mobility, and thermodynamic stability) indicates that this missense variant is expected to disrupt CACNA1F protein function with a positive predictive value of 80%. In summary, the available evidence is currently insufficient to determine the role of this variant in disease. Therefore, it has been classified as a Variant of Uncertain Significance.

Centre for Mendelian Genomics, University Medical Centre Ljubljana
Classification: Uncertain significance for Congenital stationary night blindness 2A. Last evaluated: 2019-08-23. Review status: criteria provided, single submitter. Criteria: ACMG Guidelines, 2015. Collection method: clinical testing. Allele origin: unknown. Affected: yes.
Comment: This variant was classified as: Uncertain significance. The available evidence on this variant's pathogenicity is insufficient or conflicting. The following ACMG criteria were applied in classifying this variant: PP3,BS2. This variant was detected in hemizygous state.

Literature cited by the submitters: PubMed 38243264 (cited by Labcorp Genetics (formerly Invitae), Labcorp).

NM_001256789.3(CACNA1F):c.1936G>A (p.Ala646Thr)

Gene: CACNA1F (calcium voltage-gated channel subunit alpha1 F; minus strand). Cytogenetic location: Xp11.23.
Variant type: single nucleotide variant.
Coding change: c.1936G>A on transcript NM_001256789.3 (MANE Select); coding-DNA position 1936, G replaced by A.
Protein change: p.Ala646Thr; replaces alanine 646 with threonine.
Molecular consequence: missense variant.
Genome position (GRCh38, 1-based): chrX:49,223,078, C>T on the plus strand (G>A on the coding strand, the complement: CACNA1F is on the minus strand). VCF-style: chrX-49223078-C-T. GRCh37 (hg19) VCF-style: chrX-49079537-C-T.
Other names: c.1774G>A, p.Ala592Thr (NM_001256790.3); c.1969G>A, p.Ala657Thr (NM_005183.4); short protein forms A646T, A657T, A592T.
Identifiers: ClinVar variation 930750 (VCV000930750.8), dbSNP rs986816548, ClinGen allele CA329122408.